The following is an entry in ClinVar:

NM_014232.3(VAMP2):c.118G>A (p.Asp40Asn)

Gene: VAMP2 (vesicle associated membrane protein 2; minus strand). Cytogenetic location: 17p13.1.
Variant type: single nucleotide variant.
Coding change: c.118G>A on transcript NM_014232.3 (MANE Select); coding-DNA position 118, G replaced by A.
Protein change: p.Asp40Asn; replaces aspartic acid 40 with asparagine.
Molecular consequence: missense variant.
Genome position (GRCh38, 1-based): chr17:8,162,254, C>T on the plus strand (G>A on the coding strand, the complement: VAMP2 is on the minus strand). VCF-style: chr17-8162254-C-T. GRCh37 (hg19) VCF-style: chr17-8065572-C-T.
Other names: c.124G>A, p.Asp42Asn (NM_001330125.1); short protein forms D40N, D42N.
Identifiers: ClinVar variation 4975497 (VCV004975497.1).

ClinVar aggregate classification (germline): Uncertain significance (1 of 4 stars; one submission).

Submission:

GeneDx
Classification: Uncertain significance. Last evaluated: 2026-01-26. Review status: criteria provided, single submitter. Criteria: GeneDx Variant Classification Process June 2021. Collection method: clinical testing. Allele origin: germline.
Comment: Not observed at significant frequency in large population cohorts (gnomAD); In silico analysis supports that this missense variant has a deleterious effect on protein structure/function; In silico analysis suggests this variant may impact gene splicing. In the absence of RNA/functional studies, the actual effect of this sequence change is unknown.; Has not been previously published as pathogenic or benign to our knowledge